The following is an entry in ClinVar:

NM_006648.4(WNK2):c.907C>T (p.Arg303Trp)

Gene: WNK2 (WNK lysine deficient protein kinase 2; plus strand). Cytogenetic location: 9q22.31.
Variant type: single nucleotide variant.
Coding change: c.907C>T on transcript NM_006648.4 (MANE Select); coding-DNA position 907, C replaced by T.
Protein change: p.Arg303Trp; replaces arginine 303 with tryptophan.
Molecular consequence: missense variant.
Genome position (GRCh38, 1-based): chr9:93,230,940, C>T. VCF-style: chr9-93230940-C-T. GRCh37 (hg19) VCF-style: chr9-95993222-C-T.
Other names: c.907C>T, p.Arg303Trp (NM_001282394.3); short protein forms R303W.
Identifiers: ClinVar variation 3470505 (VCV003470505.1).

ClinVar aggregate classification (germline): Uncertain significance (1 of 4 stars; one submission).

gnomAD v4.1: 1 of 1,613,890 alleles (0.000062%); highest among the groups gnomAD compares: Non-Finnish European, 0.000085%; no homozygotes.

Submission:

Ambry Genetics
Classification: Uncertain significance. Last evaluated: 2024-11-28. Review status: criteria provided, single submitter. Criteria: Ambry Variant Classification Scheme 2023. Collection method: clinical testing. Allele origin: germline.
Comment: The p.R303W variant (also known as c.907C>T), located in coding exon 3 of the WNK2 gene, results from a C to T substitution at nucleotide position 907. The arginine at codon 303 is replaced by tryptophan, an amino acid with dissimilar properties. This amino acid position is conserved. In addition, the in silico prediction for this alteration is inconclusive. Based on the available evidence, the clinical significance of this variant remains unclear.